The following is an entry in ClinVar:

ClinVar aggregate classification (germline): Likely benign (1 of 4 stars; one submission).

Submission:

Center for Pediatric Genomic Medicine, Children's Mercy Hospital and Clinics
Classification: Likely benign. Last evaluated: 2015-09-29. Review status: criteria provided, single submitter. Criteria: ACMG Guidelines, 2015. Collection method: clinical testing. Allele origin: germline.
ClinVar note: Converted during submission from Likely Benign to Likely benign.

NC_012920.1(MT-ATP6):m.8790G>A

Gene: MT-ATP6 (mitochondrially encoded ATP synthase 6; plus strand).
Variant type: single nucleotide variant.
Genome position: chrM-8790-G-A.
Identifiers: ClinVar variation 235546 (VCV000235546.3), dbSNP rs878853063, ClinGen allele CA10581352.